The following is an entry in ClinVar:

NM_145207.3(AFG2A):c.416T>A (p.Leu139Gln)

Gene: AFG2A (AAA ATPase AFG2A; plus strand). Cytogenetic location: 4q28.1.
Variant type: single nucleotide variant.
Coding change: c.416T>A on transcript NM_145207.3 (MANE Select); coding-DNA position 416, T replaced by A.
Protein change: p.Leu139Gln; replaces leucine 139 with glutamine.
Molecular consequence: missense variant.
Genome position (GRCh38, 1-based): chr4:122,929,167, T>A. VCF-style: chr4-122929167-T-A. GRCh37 (hg19) VCF-style: chr4-123850322-T-A.
Other names: c.413T>A, p.Leu138Gln (NM_001317799.2, NM_001345856.2); short protein forms L138Q, L139Q.
Identifiers: ClinVar variation 655067 (VCV000655067.7), dbSNP rs749960674, ClinGen allele CA3070201.

ClinVar aggregate classification (germline): Uncertain significance. Review status: criteria provided, multiple submitters, no conflicts (2 of 4 stars). 2 submissions from 2 submitters: Uncertain significance (2). Last evaluated 2025-01-15.

Conditions:
Microcephaly-intellectual disability-sensorineural hearing loss-epilepsy-abnormal muscle tone syndrome (NEDHSB). Also called: NEURODEVELOPMENTAL DISORDER WITH HEARING LOSS, SEIZURES, AND BRAIN ABNORMALITIES. Identifiers: Orphanet 457351, MedGen C4225276, MONDO:0014698, OMIM 616577.

Allele frequency attached by ClinVar (database versions not stated): TOPMed 0.00001; gnomAD 0.00003 and 0.00004.
gnomAD v4.1: 22 of 1,607,334 alleles (0.0014%); highest among the groups gnomAD compares: Non-Finnish European, 0.0016%; no homozygotes.

Submissions (2):

Labcorp Genetics (formerly Invitae), Labcorp
Classification: Uncertain significance for Microcephaly-intellectual disability-sensorineural hearing loss-epilepsy-abnormal muscle tone syndrome. Last evaluated: 2025-01-15. Review status: criteria provided, single submitter. Criteria: Invitae Variant Classification Sherloc (09022015). Collection method: clinical testing. Allele origin: germline.
Comment: This sequence change replaces leucine, which is neutral and non-polar, with glutamine, which is neutral and polar, at codon 139 of the SPATA5 protein (p.Leu139Gln). This variant is present in population databases (rs749960674, gnomAD 0.004%). This variant has not been reported in the literature in individuals affected with SPATA5-related conditions. ClinVar contains an entry for this variant (Variation ID: 655067). Invitae Evidence Modeling of protein sequence and biophysical properties (such as structural, functional, and spatial information, amino acid conservation, physicochemical variation, residue mobility, and thermodynamic stability) has been performed for this missense variant. However, the output from this modeling did not meet the statistical confidence thresholds required to predict the impact of this variant on SPATA5 protein function. In summary, the available evidence is currently insufficient to determine the role of this variant in disease. Therefore, it has been classified as a Variant of Uncertain Significance.

Blueprint Genetics
Classification: Uncertain significance. Last evaluated: 2024-10-09. Review status: criteria provided, single submitter. Criteria: ACMG Guidelines, 2015. Collection method: clinical testing. Allele origin: germline.